The following is an entry in ClinVar:

ClinVar aggregate classification (germline): Uncertain significance. Review status: criteria provided, multiple submitters, no conflicts (2 of 4 stars). 3 submissions from 3 submitters: Uncertain significance (3). Last evaluated 2025-07-07.

Conditions:
Hereditary cancer-predisposing syndrome. Also called: Neoplastic Syndromes, Hereditary; Tumor predisposition; Hereditary Cancer Syndrome; Hereditary neoplastic syndrome. Identifiers: Orphanet 140162, MedGen C0027672, MeSH D009386, MONDO:0015356.
Familial cancer of breast. Also called: BREAST CANCER, FAMILIAL; Hereditary breast cancer; hereditary breast carcinoma. Identifiers: Orphanet 227535, MedGen C0346153, MONDO:0016419, OMIM 114480. Disease mechanism: loss of function.

Submissions (3):

Labcorp Genetics (formerly Invitae), Labcorp
Classification: Uncertain significance for Familial cancer of breast. Last evaluated: 2025-07-07. Review status: criteria provided, single submitter. Criteria: Invitae Variant Classification Sherloc (09022015). Collection method: clinical testing. Allele origin: germline.
Comment: This variant, c.260_261insCCAAGAGCCTGAGGA, results in the insertion of 5 amino acid(s) of the CHEK2 protein (p.Asp82_Glu86dup), but otherwise preserves the integrity of the reading frame. This variant is not present in population databases (gnomAD no frequency). This variant has been observed in individual(s) with ovarian cancer (PMID: 28541631). ClinVar contains an entry for this variant (Variation ID: 918590). Experimental studies and prediction algorithms are not available or were not evaluated, and the functional significance of this variant is currently unknown. In summary, the available evidence is currently insufficient to determine the role of this variant in disease. Therefore, it has been classified as a Variant of Uncertain Significance.

Ambry Genetics
Classification: Uncertain significance for Hereditary cancer-predisposing syndrome. Last evaluated: 2022-04-29. Review status: criteria provided, single submitter. Criteria: Ambry Variant Classification Scheme 2023. Collection method: clinical testing. Allele origin: germline.
Comment: The c.260_261ins15 variant (also known as p.D82_E86dup), located in coding exon 1 of the CHEK2 gene, results from an in-frame 15 nucleotide insertion at nucleotide positions 260 to 261. This results in the insertion of 5 extra residues between codons 82 and 86. This amino acid region is well conserved in available vertebrate species. Since supporting evidence is limited at this time, the clinical significance of this alteration remains unclear.

Color Diagnostics, LLC DBA Color Health
Classification: Uncertain significance for Hereditary cancer-predisposing syndrome. Last evaluated: 2020-01-14. Review status: criteria provided, single submitter. Criteria: ACMG Guidelines, 2015. Collection method: clinical testing. Allele origin: germline.
Comment: This variant results in a duplication of 5 amino acids in the CHEK2 protein. To our knowledge, functional studies have not been performed for this variant. This variant has not been reported in individuals affected with hereditary cancer in the literature. This variant has not been identified in the general population by the Genome Aggregation Database (gnomAD). The available evidence is insufficient to determine the role of this variant in disease conclusively. Therefore, this variant is classified as a Variant of Uncertain Significance.

Literature cited by the submitters: PubMed 28541631 (cited by Labcorp Genetics (formerly Invitae), Labcorp).

NM_007194.4(CHEK2):c.260_261insCCAAGAGCCTGAGGA (p.Glu86_Glu87insAspGlnGluProGlu)

Gene: CHEK2 (checkpoint kinase 2; minus strand). Cytogenetic location: 22q12.1.
Variant type: Insertion.
Coding change: c.260_261insCCAAGAGCCTGAGGA on transcript NM_007194.4 (MANE Select); coding-DNA positions 260 to 261, CCAAGAGCCTGAGGA inserted.
Protein change: p.Glu86_Glu87insAspGlnGluProGlu.
Molecular consequence: inframe insertion. On other transcripts: inframe indel (3).
Genome position: GRCh38 VCF-style: chr22-28734461-C-CTCCTCAGGCTCTTGG. GRCh37 (hg19) VCF-style: chr22-29130449-C-CTCCTCAGGCTCTTGG.
Other names: c.252_253insCCTGAGGACCAAGAG, p.Glu86_Glu87insAspGlnGluProGlu (NM_001005735.3, NM_001349956.3, NM_145862.3); c.-526_-525insCCTGAGGACCAAGAG (NM_001257387.3).
Identifiers: ClinVar variation 918590 (VCV000918590.7), dbSNP rs1555932249, ClinGen allele CA920352180.
Genomic context (GRCh38, chr22:28,734,461, plus strand): 5'-ACCAAGATTGGCAAATCCATCCTGAAGGGCCCATAATCGAGCCCAGGGGGCAGGGGTAGG[C>CTCCTCAGGCTCTTGG]TCCTCAGGTTCTTGGTCCTCAGGTTCTTGGTCCTCAGGAATAGAATAGAGTTCCTGAGTG-3'